The following is an entry in ClinVar:

NM_030632.3(ASXL3):c.6265G>T (p.Gly2089Cys)

Gene: ASXL3 (ASXL transcriptional regulator 3; plus strand). Cytogenetic location: 18q12.1.
Variant type: single nucleotide variant.
Coding change: c.6265G>T on transcript NM_030632.3 (MANE Select); coding-DNA position 6265, G replaced by T.
Protein change: p.Gly2089Cys; replaces glycine 2089 with cysteine.
Molecular consequence: missense variant.
Genome position (GRCh38, 1-based): chr18:33,746,113, G>T. VCF-style: chr18-33746113-G-T. GRCh37 (hg19) VCF-style: chr18-31326077-G-T.
Other names: short protein forms G2089C.
Identifiers: ClinVar variation 4995900 (VCV004995900.1).

ClinVar aggregate classification (germline): Uncertain significance (1 of 4 stars; one submission).

Conditions:
ASXL3-related disorder. Also called: ASXL3-related condition. Identifiers: MedGen CN381524.

gnomAD v4.1: 2 of 1,613,582 alleles (0.00012%); highest among the groups gnomAD compares: African/African-American, 0.0013%; no homozygotes.

Submission:

PreventionGenetics, part of Exact Sciences
Classification: Uncertain significance for ASXL3-related condition. Last evaluated: 2026-08-10. Review status: criteria provided, single submitter. Criteria: ACMG Guidelines, 2015. Collection method: clinical testing. Allele origin: germline.
Comment: The ASXL3 c.6265G>T variant is predicted to result in the amino acid substitution p.Gly2089Cys. To our knowledge, this variant has not been reported in the literature or in a large population database (gnomAD), indicating this variant is rare. At this time, the clinical significance of this variant is uncertain due to the absence of conclusive functional and genetic evidence.